The following is an entry in ClinVar:

NM_001145860.2(POP1):c.304A>G (p.Ile102Val)

Gene: POP1 (POP1 homolog, ribonuclease P/MRP subunit; plus strand). Cytogenetic location: 8q22.2.
Variant type: single nucleotide variant.
Coding change: c.304A>G on transcript NM_001145860.2 (MANE Select); coding-DNA position 304, A replaced by G.
Protein change: p.Ile102Val; replaces isoleucine 102 with valine.
Molecular consequence: missense variant.
Genome position (GRCh38, 1-based): chr8:98,127,756, A>G. VCF-style: chr8-98127756-A-G. GRCh37 (hg19) VCF-style: chr8-99139984-A-G.
Other names: c.304A>G, p.Ile102Val (NM_001145861.2, NM_015029.3); short protein forms I102V.
Identifiers: ClinVar variation 2416790 (VCV002416790.5), dbSNP rs775092432, ClinGen allele CA4820276.
Genomic context (GRCh38, chr8:98,127,756, plus strand): 5'-AGAAAAAAGGGAGGATGGAAAGCAGGTCCCGAGGGCACGTCTCAGGAGATCCCCAAGTAT[A>G]TAACTGGTGGGTACTCATAAAGAGGTGCAGTTTGCTTGTATTTTGAACTCTCGTGTCTAG-3'
Protein context (NP_001139332.1, residues 92-112): EGTSQEIPKY[Ile102Val]TASTFAQARA

ClinVar aggregate classification (germline): Uncertain significance (1 of 4 stars; one submission).

Allele frequency attached by ClinVar (database versions not stated): ExAC 0.00001; gnomAD 0.00001; gnomAD exomes 0.00001; TOPMed 0.00001.
gnomAD v4.1: 17 of 1,613,794 alleles (0.0011%); highest among the groups gnomAD compares: Middle Eastern, 0.049%; no homozygotes.

Submission:

Labcorp Genetics (formerly Invitae), Labcorp
Classification: Uncertain significance. Last evaluated: 2022-10-13. Review status: criteria provided, single submitter. Criteria: Invitae Variant Classification Sherloc (09022015). Collection method: clinical testing. Allele origin: germline.
Comment: Algorithms developed to predict the effect of sequence changes on RNA splicing suggest that this variant may create or strengthen a splice site. In summary, the available evidence is currently insufficient to determine the role of this variant in disease. Therefore, it has been classified as a Variant of Uncertain Significance. Algorithms developed to predict the effect of missense changes on protein structure and function (SIFT, PolyPhen-2, Align-GVGD) all suggest that this variant is likely to be tolerated. This variant has not been reported in the literature in individuals affected with POP1-related conditions. This variant is present in population databases (rs775092432, gnomAD 0.003%). This sequence change replaces isoleucine, which is neutral and non-polar, with valine, which is neutral and non-polar, at codon 102 of the POP1 protein (p.Ile102Val).